The following is an entry in ClinVar:

ClinVar aggregate classification (germline): Uncertain significance. Review status: criteria provided, multiple submitters, no conflicts (2 of 4 stars). 2 submissions from 2 submitters: Uncertain significance (2). Last evaluated 2025-03-19.

Conditions:
Fanconi anemia (FA). Also called: Fanconi's anemia. Identifiers: Orphanet 84, MedGen C0015625, MeSH D005199, MONDO:0019391.
Inborn genetic diseases. Identifiers: MedGen C0950123, MeSH D030342.

Allele frequency attached by ClinVar (database versions not stated): TOPMed below 0.00001; ExAC 0.00001; ESP Exome Variant Server 0.00015.
gnomAD v4.1: 31 of 1,614,090 alleles (0.0019%); highest among the groups gnomAD compares: Non-Finnish European, 0.0025%; no homozygotes.

Submissions (2):

Ambry Genetics
Classification: Uncertain significance for Inborn genetic diseases. Last evaluated: 2025-03-19. Review status: criteria provided, single submitter. Criteria: Ambry Variant Classification Scheme 2023. Collection method: clinical testing. Allele origin: germline.

Labcorp Genetics (formerly Invitae), Labcorp
Classification: Uncertain significance for Fanconi anemia. Last evaluated: 2022-08-23. Review status: criteria provided, single submitter. Criteria: Invitae Variant Classification Sherloc (09022015). Collection method: clinical testing. Allele origin: germline.
Comment: This sequence change replaces leucine, which is neutral and non-polar, with valine, which is neutral and non-polar, at codon 584 of the FANCA protein (p.Leu584Val). This variant is present in population databases (rs145459403, gnomAD 0.007%). This variant has not been reported in the literature in individuals affected with FANCA-related conditions. ClinVar contains an entry for this variant (Variation ID: 575590). Advanced modeling of protein sequence and biophysical properties (such as structural, functional, and spatial information, amino acid conservation, physicochemical variation, residue mobility, and thermodynamic stability) performed at Invitae indicates that this missense variant is expected to disrupt FANCA protein function. In summary, the available evidence is currently insufficient to determine the role of this variant in disease. Therefore, it has been classified as a Variant of Uncertain Significance.

NM_000135.4(FANCA):c.1750C>G (p.Leu584Val)

Gene: FANCA (FA complementation group A; minus strand). Cytogenetic location: 16q24.3.
Variant type: single nucleotide variant.
Coding change: c.1750C>G on transcript NM_000135.4 (MANE Select); coding-DNA position 1750, C replaced by G.
Protein change: p.Leu584Val; replaces leucine 584 with valine.
Molecular consequence: missense variant.
Genome position (GRCh38, 1-based): chr16:89,778,969, G>C on the plus strand (C>G on the coding strand, the complement: FANCA is on the minus strand). VCF-style: chr16-89778969-G-C. GRCh37 (hg19) VCF-style: chr16-89845377-G-C.
Other names: c.1750C>G (LRG_495t1); c.1750C>G, p.Leu584Val (NM_001286167.3); short protein forms L584V.
Identifiers: ClinVar variation 575590 (VCV000575590.8), dbSNP rs145459403, ClinGen allele CA8252120.
Genomic context (GRCh38, chr16:89,778,969, plus strand): 5'-AACTGGTCACAAACTCATGGAGACGCATACTGACCACTCGAGGTGTGAGCAGGGCGGGGA[G>C]GAAGTGGGACACGTAGTAAGGCCTCCTGAATATGCTGCAACACAGAGAAGCAGACAGTGC-3'
Protein context (NP_000126.2, residues 574-594): FRRPYYVSHF[Leu584Val]PALLTPRVLP